The following is an entry in ClinVar:

ClinVar aggregate classification (germline): Uncertain significance (1 of 4 stars; one submission).

Conditions:
Familial thoracic aortic aneurysm and aortic dissection (TAAD). Also called: Thoracic aortic aneurysms and dissections. Identifiers: Orphanet 91387, MedGen C4707243, MONDO:0019625.

gnomAD v4.1: 1 of 1,612,972 alleles (0.000062%); highest among the groups gnomAD compares: African/African-American, 0.0013%; no homozygotes.

Submission:

Color Diagnostics, LLC DBA Color Health
Classification: Uncertain significance for Familial thoracic aortic aneurysm and aortic dissection. Last evaluated: 2025-08-30. Review status: criteria provided, single submitter. Criteria: ACMG Guidelines, 2015. Collection method: clinical testing. Allele origin: germline.
Comment: This missense variant replaces proline with serine at codon 1076 of the COL3A1 protein. Computational prediction suggests that this variant may not impact protein structure and function. To our knowledge, functional studies have not been reported for this variant. This variant has not been reported in individuals affected with COL3A1-related disorders in the literature. This variant has not been identified in the general population by the Genome Aggregation Database (gnomAD). The available evidence is insufficient to determine the role of this variant in disease conclusively. Therefore, this variant is classified as a Variant of Uncertain Significance.

NM_000090.4(COL3A1):c.3226C>T (p.Pro1076Ser)

Gene: COL3A1 (collagen type III alpha 1 chain; plus strand). Cytogenetic location: 2q32.2.
Variant type: single nucleotide variant.
Coding change: c.3226C>T on transcript NM_000090.4 (MANE Select); coding-DNA position 3226, C replaced by T.
Protein change: p.Pro1076Ser; replaces proline 1076 with serine.
Molecular consequence: missense variant.
Genome position (GRCh38, 1-based): chr2:189,006,961, C>T. VCF-style: chr2-189006961-C-T. GRCh37 (hg19) VCF-style: chr2-189871687-C-T.
Other names: short protein forms P1076S.
Identifiers: ClinVar variation 4757848 (VCV004757848.1).